The following is an entry in ClinVar:

ClinVar aggregate classification (germline): Uncertain significance (1 of 4 stars; one submission).

Conditions:
Fanconi anemia (FA). Also called: Fanconi's anemia. Identifiers: Orphanet 84, MedGen C0015625, MeSH D005199, MONDO:0019391.

gnomAD v4.1: 3 of 1,613,568 alleles (0.00019%); highest among the groups gnomAD compares: Admixed American, 0.005%; no homozygotes.

Submission:

Labcorp Genetics (formerly Invitae), Labcorp
Classification: Uncertain significance for Fanconi anemia. Last evaluated: 2024-04-06. Review status: criteria provided, single submitter. Criteria: Invitae Variant Classification Sherloc (09022015). Collection method: clinical testing. Allele origin: germline.
Comment: This sequence change replaces leucine, which is neutral and non-polar, with serine, which is neutral and polar, at codon 969 of the FANCI protein (p.Leu969Ser). This variant is present in population databases (rs746808691, gnomAD 0.009%). This variant has not been reported in the literature in individuals affected with FANCI-related conditions. Advanced modeling of protein sequence and biophysical properties (such as structural, functional, and spatial information, amino acid conservation, physicochemical variation, residue mobility, and thermodynamic stability) performed at Invitae indicates that this missense variant is not expected to disrupt FANCI protein function with a negative predictive value of 80%. In summary, the available evidence is currently insufficient to determine the role of this variant in disease. Therefore, it has been classified as a Variant of Uncertain Significance.

NM_001113378.2(FANCI):c.2906T>C (p.Leu969Ser)

Gene: FANCI (FA complementation group I; plus strand). Cytogenetic location: 15q26.1.
Variant type: single nucleotide variant.
Coding change: c.2906T>C on transcript NM_001113378.2 (MANE Select); coding-DNA position 2906, T replaced by C.
Protein change: p.Leu969Ser; replaces leucine 969 with serine.
Molecular consequence: missense variant.
Genome position (GRCh38, 1-based): chr15:89,301,342, T>C. VCF-style: chr15-89301342-T-C. GRCh37 (hg19) VCF-style: chr15-89844573-T-C.
Other names: c.2627T>C, p.Leu876Ser (NM_001376910.1); c.2906T>C, p.Leu969Ser (NM_001376911.1); c.2726T>C, p.Leu909Ser (NM_018193.3); short protein forms L969S, L876S, L909S.
Identifiers: ClinVar variation 3703558 (VCV003703558.2).